The following is an entry in ClinVar:

NM_001130009.3(GEN1):c.118A>T (p.Thr40Ser)

Gene: GEN1 (GEN1 structure-specific endonuclease; plus strand). Cytogenetic location: 2p24.2.
Variant type: single nucleotide variant.
Coding change: c.118A>T on transcript NM_001130009.3 (MANE Select); coding-DNA position 118, A replaced by T.
Protein change: p.Thr40Ser; replaces threonine 40 with serine.
Molecular consequence: missense variant.
Genome position (GRCh38, 1-based): chr2:17,760,061, A>T. VCF-style: chr2-17760061-A-T. GRCh37 (hg19) VCF-style: chr2-17941328-A-T.
Other names: c.118A>T, p.Thr40Ser (NM_182625.5); c.118A>T (NM_001130009.1); short protein forms T40S.
Identifiers: ClinVar variation 1003889 (VCV001003889.8), dbSNP rs376881321, ClinGen allele CA1540311.

ClinVar aggregate classification (germline): Uncertain significance. Review status: criteria provided, multiple submitters, no conflicts (2 of 4 stars). 2 submissions from 2 submitters: Uncertain significance (2). Last evaluated 2025-10-01.

Allele frequency attached by ClinVar (database versions not stated): gnomAD 0.00001; gnomAD exomes 0.00002; TOPMed 0.00002; ExAC 0.00004; ESP Exome Variant Server 0.00008.

Submissions (2):

Labcorp Genetics (formerly Invitae), Labcorp
Classification: Uncertain significance. Last evaluated: 2025-10-01. Review status: criteria provided, single submitter. Criteria: Invitae Variant Classification Sherloc (09022015). Collection method: clinical testing. Allele origin: germline.
Comment: This sequence change replaces threonine, which is neutral and polar, with serine, which is neutral and polar, at codon 40 of the GEN1 protein (p.Thr40Ser). This variant is present in population databases (rs376881321, gnomAD 0.005%). This variant has not been reported in the literature in individuals affected with GEN1-related conditions. ClinVar contains an entry for this variant (Variation ID: 1003889). An algorithm developed to predict the effect of missense changes on protein structure and function outputs the following: PolyPhen-2: "Benign". The serine amino acid residue is found in multiple mammalian species, which suggests that this missense change does not adversely affect protein function. In summary, the available evidence is currently insufficient to determine the role of this variant in disease. Therefore, it has been classified as a Variant of Uncertain Significance.

Ambry Genetics
Classification: Uncertain significance. Last evaluated: 2024-12-12. Review status: criteria provided, single submitter. Criteria: Ambry Variant Classification Scheme 2023. Collection method: clinical testing. Allele origin: germline.
Comment: The p.T40S variant (also known as c.118A>T), located in coding exon 1 of the GEN1 gene, results from an A to T substitution at nucleotide position 118. The threonine at codon 40 is replaced by serine, an amino acid with similar properties. This amino acid position is conserved. In addition, this alteration is predicted to be tolerated by in silico analysis. Based on the available evidence, the clinical significance of this variant remains unclear.